The following is an entry in ClinVar:

NM_000368.5(TSC1):c.3257G>A (p.Ser1086Asn)

Gene: TSC1 (TSC complex subunit 1; minus strand). Cytogenetic location: 9q34.13.
Variant type: single nucleotide variant.
Coding change: c.3257G>A on transcript NM_000368.5 (MANE Select); coding-DNA position 3257, G replaced by A.
Protein change: p.Ser1086Asn; replaces serine 1086 with asparagine.
Molecular consequence: missense variant. On other transcripts: non-coding transcript variant (5).
Genome position (GRCh38, 1-based): chr9:132,896,473, C>T on the plus strand (G>A on the coding strand, the complement: TSC1 is on the minus strand). VCF-style: chr9-132896473-C-T. GRCh37 (hg19) VCF-style: chr9-135771860-C-T.
Other names: c.3257G>A, p.Ser1086Asn (NM_001406592.1, NM_001406593.1, NM_001406594.1 and 2 more transcripts); c.3254G>A, p.Ser1085Asn (NM_001406597.1, NM_001406598.1, NM_001406599.1 and 2 more transcripts); c.3242G>A, p.Ser1081Asn (NM_001406601.1, NM_001406602.1); c.3104G>A, p.Ser1035Asn (NM_001162427.2, NM_001406610.1); c.2894G>A, p.Ser965Asn (NM_001362177.2, NM_001406614.1, NM_001406615.1 and 4 more transcripts); c.3239G>A, p.Ser1080Asn (NM_001406603.1, NM_001406604.1); c.3215G>A, p.Ser1072Asn (NM_001406605.1, NM_001406606.1, NM_001406607.1); c.3212G>A, p.Ser1071Asn (NM_001406608.1, NM_001406609.1); and 8 more; short protein forms S1020N, S1034N, S1035N, S1071N, S1072N, S1080N, S1081N, S1085N.
Identifiers: ClinVar variation 3070857 (VCV003070857.2), dbSNP rs774286125, ClinGen allele CA036242.

ClinVar aggregate classification (germline): Uncertain significance. Review status: criteria provided, multiple submitters, no conflicts (2 of 4 stars). 2 submissions from 2 submitters: Uncertain significance (2). Last evaluated 2026-02-24.

Conditions:
Hereditary cancer-predisposing syndrome. Also called: Neoplastic Syndromes, Hereditary; Tumor predisposition; Hereditary Cancer Syndrome; Hereditary neoplastic syndrome. Identifiers: Orphanet 140162, MedGen C0027672, MeSH D009386, MONDO:0015356.
Tuberous sclerosis syndrome (TSC). Also called: Tuberous Sclerosis Complex; Tuberous sclerosis. Identifiers: Orphanet 805, MedGen C0041341, MONDO:0001734.

Allele frequency attached by ClinVar (database versions not stated): gnomAD exomes below 0.00001; ExAC 0.00001.
gnomAD v4.1: 2 of 1,614,230 alleles (0.00012%); highest among the groups gnomAD compares: Non-Finnish European, 0.00017%; no homozygotes.

Submissions (2):

Ambry Genetics
Classification: Uncertain significance for Hereditary cancer-predisposing syndrome. Last evaluated: 2026-02-24. Review status: criteria provided, single submitter. Criteria: Ambry Variant Classification Scheme 2023. Collection method: clinical testing. Allele origin: germline.
Comment: The p.S1086N variant (also known as c.3257G>A), located in coding exon 21 of the TSC1 gene, results from a G to A substitution at nucleotide position 3257. The serine at codon 1086 is replaced by asparagine, an amino acid with highly similar properties. This amino acid position is conserved. In addition, the in silico prediction for this alteration is inconclusive. Based on the available evidence, the clinical significance of this variant remains unclear.

All of Us Research Program, National Institutes of Health
Classification: Uncertain significance for Tuberous sclerosis syndrome. Last evaluated: 2023-05-04. Review status: criteria provided, single submitter. Criteria: ACMG Guidelines, 2015. Collection method: clinical testing. Allele origin: germline. Inheritance: Autosomal dominant inheritance. Observed: 1 variant allele, 1 heterozygote.
Comment: This missense variant replaces serine with asparagine at codon 1086 of the TSC1 protein. Computational prediction suggests that this variant may not impact protein structure and function (internally defined REVEL score threshold <= 0.5, PMID: 27666373). To our knowledge, functional studies have not been reported for this variant. This variant has not been reported in individuals affected with TSC1-related disorders in the literature. This variant has been identified in 1/251456 chromosomes in the general population by the Genome Aggregation Database (gnomAD). The available evidence is insufficient to determine the role of this variant in disease conclusively. Therefore, this variant is classified as a Variant of Uncertain Significance.

This study involves interpretation of variants in research participants for the purpose of population health screening. Participant phenotype was not available at the time of variant classification. Additional details can be found in publication PMID: 35346344, PMCID: PMC8962531